The following is an entry in ClinVar:

NM_004304.5(ALK):c.1690G>A (p.Val564Met)

Gene: ALK (ALK receptor tyrosine kinase; minus strand). Cytogenetic location: 2p23.2.
Variant type: single nucleotide variant.
Coding change: c.1690G>A on transcript NM_004304.5 (MANE Select); coding-DNA position 1690, G replaced by A.
Protein change: p.Val564Met; replaces valine 564 with methionine.
Molecular consequence: missense variant.
Genome position (GRCh38, 1-based): chr2:29,297,015, C>T on the plus strand (G>A on the coding strand, the complement: ALK is on the minus strand). VCF-style: chr2-29297015-C-T. GRCh37 (hg19) VCF-style: chr2-29519881-C-T.
Other names: short protein forms V564M.
Identifiers: ClinVar variation 1052846 (VCV001052846.12), dbSNP rs780939762, ClinGen allele CA1594557.

ClinVar aggregate classification (germline): Uncertain significance. Review status: criteria provided, multiple submitters, no conflicts (2 of 4 stars). 2 submissions from 2 submitters: Uncertain significance (2). Last evaluated 2025-06-07.

Conditions:
Hereditary cancer-predisposing syndrome. Also called: Hereditary Cancer Syndrome; Tumor predisposition; Hereditary neoplastic syndrome; Neoplastic Syndromes, Hereditary. Identifiers: Orphanet 140162, MedGen C0027672, MeSH D009386, MONDO:0015356.
Neuroblastoma, susceptibility to, 3. Also called: ALK-Related Neuroblastic Tumor Susceptibility. Identifiers: Orphanet 635, MedGen C2751681, MONDO:0013083, OMIM 613014.

Allele frequency attached by ClinVar (database versions not stated): ExAC 0.00002.

Submissions (2):

Ambry Genetics
Classification: Uncertain significance for Hereditary cancer-predisposing syndrome. Last evaluated: 2025-06-07. Review status: criteria provided, single submitter. Criteria: Ambry Variant Classification Scheme 2023. Collection method: clinical testing. Allele origin: germline.
Comment: The p.V564M variant (also known as c.1690G>A), located in coding exon 9 of the ALK gene, results from a G to A substitution at nucleotide position 1690. The valine at codon 564 is replaced by methionine, an amino acid with highly similar properties. This amino acid position is conserved. In addition, this alteration is predicted to be tolerated by in silico analysis. Since supporting evidence is limited at this time, the clinical significance of this alteration remains unclear.

Labcorp Genetics (formerly Invitae), Labcorp
Classification: Uncertain significance for Neuroblastoma, susceptibility to, 3. Last evaluated: 2025-05-25. Review status: criteria provided, single submitter. Criteria: Invitae Variant Classification Sherloc (09022015). Collection method: clinical testing. Allele origin: germline.
Comment: This sequence change replaces valine, which is neutral and non-polar, with methionine, which is neutral and non-polar, at codon 564 of the ALK protein (p.Val564Met). This variant is present in population databases (rs780939762, gnomAD 0.004%). This variant has not been reported in the literature in individuals affected with ALK-related conditions. ClinVar contains an entry for this variant (Variation ID: 1052846). An algorithm developed to predict the effect of missense changes on protein structure and function (PolyPhen-2) suggests that this variant is likely to be disruptive. In summary, the available evidence is currently insufficient to determine the role of this variant in disease. Therefore, it has been classified as a Variant of Uncertain Significance.